The following is an entry in ClinVar:

ClinVar aggregate classification (germline): Uncertain significance (1 of 4 stars; one submission).

Conditions:
Hereditary cancer-predisposing syndrome. Also called: Neoplastic Syndromes, Hereditary; Tumor predisposition; Hereditary neoplastic syndrome; Hereditary Cancer Syndrome. Identifiers: Orphanet 140162, MedGen C0027672, MeSH D009386, MONDO:0015356.

Submission:

Ambry Genetics
Classification: Uncertain significance for Hereditary cancer-predisposing syndrome. Last evaluated: 2026-07-02. Review status: criteria provided, single submitter. Criteria: Ambry Variant Classification Scheme 2023. Collection method: clinical testing. Allele origin: germline.
Comment: The p.Y306F variant (also known as c.917A>T), located in coding exon 8 of the BMPR1A gene, results from an A to T substitution at nucleotide position 917. The tyrosine at codon 306 is replaced by phenylalanine, an amino acid with highly similar properties. This amino acid position is conserved. In addition, the in silico prediction for this alteration is inconclusive. Based on the available evidence, the clinical significance of this variant remains unclear.

NM_004329.3(BMPR1A):c.917A>T (p.Tyr306Phe)

Gene: BMPR1A (bone morphogenetic protein receptor type 1A; plus strand). Cytogenetic location: 10q23.2.
Variant type: single nucleotide variant.
Coding change: c.917A>T on transcript NM_004329.3 (MANE Select); coding-DNA position 917, A replaced by T.
Protein change: p.Tyr306Phe; replaces tyrosine 306 with phenylalanine.
Molecular consequence: missense variant. On other transcripts: non-coding transcript variant (3).
Genome position (GRCh38, 1-based): chr10:86,919,220, A>T. VCF-style: chr10-86919220-A-T. GRCh37 (hg19) VCF-style: chr10-88678977-A-T.
Other names: c.917A>T, p.Tyr306Phe (NM_001406572.1, NM_001406573.1, NM_001406574.1 and 19 more transcripts); c.911A>T, p.Tyr304Phe (NM_001406583.1); c.833A>T, p.Tyr278Phe (NM_001406584.1, NM_001406585.1, NM_001406586.1 and 2 more transcripts); c.575A>T, p.Tyr192Phe (NM_001406589.1); c.992A>T, p.Tyr331Phe (NM_001406559.1); c.965A>T, p.Tyr322Phe (NM_001406560.1); short protein forms Y304F, Y331F, Y192F, Y306F, Y278F, Y322F.
Identifiers: ClinVar variation 5032953 (VCV005032953.1).